The following is an entry in ClinVar:

NM_000214.3(JAG1):c.902G>C (p.Gly301Ala)

Gene: JAG1 (jagged canonical Notch ligand 1; minus strand). Cytogenetic location: 20p12.2.
Variant type: single nucleotide variant.
Coding change: c.902G>C on transcript NM_000214.3 (MANE Select); coding-DNA position 902, G replaced by C.
Protein change: p.Gly301Ala; replaces glycine 301 with alanine.
Molecular consequence: missense variant.
Genome position (GRCh38, 1-based): chr20:10,652,235, C>G on the plus strand (G>C on the coding strand, the complement: JAG1 is on the minus strand). VCF-style: chr20-10652235-C-G. GRCh37 (hg19) VCF-style: chr20-10632883-C-G.
Other names: short protein forms G301A.
Identifiers: ClinVar variation 3573178 (VCV003573178.2).
Genomic context (GRCh38, chr20:10,652,235, plus strand): 5'-TGATATTTGTCAGGGCCTGTGTTGCTACAAGTTCCCCCGTTGAGACACGGCTGATGAGTC[C>G]CACAGTAATTGAGATCTGCCAAAAAGATCCTGGAGTCACTAAGAGACGCCTGTGAAGATG-3'
Protein context (NP_000205.1, residues 291-311): QLCDKDLNYC[Gly301Ala]THQPCLNGGT

Conditions:
Arteriohepatic dysplasia. Also called: Alagille Syndrome. Identifiers: Orphanet 52, MedGen C0085280, MeSH D016738, MONDO:0007318.

Submission:

Gilbert/Spinner Lab, Children's Hospital of Philadelphia
No classification provided (evidence only). Condition: Alagille syndrome. Review status: no classification provided. Collection method: research. Allele origin: not applicable. Functional consequence: functionally_abnormal.
ClinVar note: "not provided" was previously submitted as the classification for the variant. However, the classification appeared to be based only on an observation of functional data so it was converted to no classification on 2025-07-30.